The following is an entry in ClinVar:

NM_024422.6(DSC2):c.2556C>G (p.Asp852Glu)

Gene: DSC2 (desmocollin 2; minus strand). Cytogenetic location: 18q12.1.
Variant type: single nucleotide variant.
Coding change: c.2556C>G on transcript NM_024422.6 (MANE Select); coding-DNA position 2556, C replaced by G.
Protein change: p.Asp852Glu; replaces aspartic acid 852 with glutamic acid.
Molecular consequence: missense variant. On other transcripts: 3 prime UTR variant (2).
Genome position (GRCh38, 1-based): chr18:31,068,165, G>C on the plus strand (C>G on the coding strand, the complement: DSC2 is on the minus strand). VCF-style: chr18-31068165-G-C. GRCh37 (hg19) VCF-style: chr18-28648131-G-C.
Other names: c.2127C>G, p.Asp709Glu (NM_001406506.1); c.*58C>G (NM_001406507.1, NM_004949.5); short protein forms D709E, D852E.
Identifiers: ClinVar variation 3894092 (VCV003894092.1).

ClinVar aggregate classification (germline): Uncertain significance (1 of 4 stars; one submission).

Conditions:
Cardiomyopathy (CMYO). Also called: Cardiomyopathies. Identifiers: Orphanet 167848, MedGen C0878544, MONDO:0004994, HP:0001638. Inheritance: Various modes of inheritance.

Submission:

Color Diagnostics, LLC DBA Color Health
Classification: Uncertain significance for Cardiomyopathy. Last evaluated: 2024-10-20. Review status: criteria provided, single submitter. Criteria: ACMG Guidelines, 2015. Collection method: clinical testing. Allele origin: germline.
Comment: This missense variant replaces aspartic acid with glutamic acid at codon 852 of the DSC2 protein. Computational prediction is inconclusive regarding the impact of this variant on protein structure and function (internally defined REVEL score threshold 0.5 < inconclusive < 0.7, PMID: 27666373). To our knowledge, functional studies have not been reported for this variant. This variant has not been reported in individuals affected with DSC2-related disorders in the literature. This variant has not been identified in the general population by the Genome Aggregation Database (gnomAD). The available evidence is insufficient to determine the role of this variant in disease conclusively. Therefore, this variant is classified as a Variant of Uncertain Significance.